The following is an entry in ClinVar:

ClinVar aggregate classification (germline): Likely pathogenic (1 of 4 stars; one submission).

Conditions:
USP9X-related disorder. Also called: USP9X-related condition.

Submission:

Rady Children's Institute for Genomic Medicine, Rady Children's Hospital San Diego
Classification: Likely pathogenic for USP9X-related disorders. Review status: criteria provided, single submitter. Criteria: ACMG Guidelines, 2015. Collection method: clinical testing. Allele origin: germline. Affected: yes.
Comment: This nonsense variant found in exon 28 of 45 is predicted to result in loss of normal protein function through either protein truncation or nonsense-mediated mRNA decay (NMD). This variant has not been previously reported or functionally characterized in the literature to our knowledge. Loss-of-function variation in USP9X is an established mechanism of disease (PMID: 26833328). The c.4099G>T (p.Glu1367Ter) variant is absent from the gnomAD population database and thus is presumed to be rare. Based on the available evidence, the c.4099G>T (p.Glu1367Ter) variant is classified as Likely Pathogenic.

NM_001039591.3(USP9X):c.4099G>T (p.Glu1367Ter)

Gene: USP9X (ubiquitin specific peptidase 9 X-linked; plus strand). Cytogenetic location: Xp11.4.
Variant type: single nucleotide variant.
Coding change: c.4099G>T on transcript NM_001039591.3 (MANE Select); coding-DNA position 4099, G replaced by T.
Protein change: p.Glu1367Ter; replaces glutamic acid 1367 with a stop codon.
Molecular consequence: nonsense.
Genome position (GRCh38, 1-based): chrX:41,196,604, G>T. VCF-style: chrX-41196604-G-T. GRCh37 (hg19) VCF-style: chrX-41055857-G-T.
Other names: c.4099G>T, p.Glu1367Ter (NM_001039590.3); c.4114G>T, p.Glu1372Ter (NM_001410748.1, NM_001410749.1); short protein forms E1367*, E1372*.
Identifiers: ClinVar variation 2584464 (VCV002584464.1), dbSNP rs2519307166, ClinGen allele CA412772555.
Genomic context (GRCh38, chrX:41,196,604, plus strand): 5'-ATTTTGAGGATGGACGTGTAAATTGATATTATTCTACTCTGTTTCCAGAGCACAGCAAGA[G>T]AGAGAGCTAAACACTCAGGCGACTACTTTACTCTTTTAAGACACCTTCTTAATTACGCTT-3'